The following is an entry in ClinVar:

NM_005422.4(TECTA):c.5269T>C (p.Cys1757Arg)

Genes: TBCEL-TECTA (TBCEL-TECTA readthrough; plus strand), TECTA (tectorin alpha; plus strand). Cytogenetic location: 11q23.3.
Variant type: single nucleotide variant.
Coding change: c.5269T>C on transcript NM_005422.4 (MANE Select); coding-DNA position 5269, T replaced by C.
Protein change: p.Cys1757Arg; replaces cysteine 1757 with arginine.
Molecular consequence: missense variant.
Genome position (GRCh38, 1-based): chr11:121,162,367, T>C. VCF-style: chr11-121162367-T-C. GRCh37 (hg19) VCF-style: chr11-121033076-T-C.
Other names: c.6211T>C, p.Cys2071Arg (NM_001378761.1); short protein forms C1757R, C2071R.
Identifiers: ClinVar variation 3899332 (VCV003899332.2).
Genomic context (GRCh38, chr11:121,162,367, plus strand): 5'-TACGGGGAGGCCTGCCGCTCCTTCGGGATCCTTAGCACCGAGTGGATTGAGAAGGAGAAT[T>C]GCTGTAAGAGAATTATTTTATTTCTGTGAATTCCATTTTCAGTGAAAAGAACAGCTTTGC-3'
Protein context (NP_005413.2, residues 1747-1767): LSTEWIEKEN[Cys1757Arg]SGVVEDPCVG

ClinVar aggregate classification (germline): Uncertain significance (1 of 4 stars; one submission).

Conditions:
Autosomal dominant nonsyndromic hearing loss 12. Also called: DEAFNESS, AUTOSOMAL DOMINANT 8. Identifiers: Orphanet 90635, MedGen C1832187, MONDO:0011102, OMIM 601543.

Submission:

Juno Genomics, Hangzhou Juno Genomics, Inc
Classification: Uncertain significance for Autosomal dominant nonsyndromic hearing loss 12. Review status: criteria provided, single submitter. Criteria: ACMG Guidelines, 2015. Collection method: clinical testing. Allele origin: germline. Affected: yes.
Comment: Absent from controls (or at extremely low frequency if recessive) in Genome Aggregation Database, Exome Sequencing Project, 1000 Genomes Project, or Exome Aggregation Consortium.;Multiple lines of computational evidence support a deleterious effect on the gene or gene product (conservation, evolutionary, splicing impact, etc).